The following is an entry in ClinVar:

NM_144687.4(NLRP12):c.1060C>A (p.Leu354Met)

Gene: NLRP12 (NLR family pyrin domain containing 12; minus strand). Cytogenetic location: 19q13.42.
Variant type: single nucleotide variant.
Coding change: c.1060C>A on transcript NM_144687.4 (MANE Select); coding-DNA position 1060, C replaced by A.
Protein change: p.Leu354Met; replaces leucine 354 with methionine.
Molecular consequence: missense variant.
Genome position (GRCh38, 1-based): chr19:53,810,599, G>T on the plus strand (C>A on the coding strand, the complement: NLRP12 is on the minus strand). VCF-style: chr19-53810599-G-T. GRCh37 (hg19) VCF-style: chr19-54313853-G-T.
Other names: c.1060C>A, p.Leu354Met (NM_001277126.2, NM_001277129.1); short protein forms L354M.
Identifiers: ClinVar variation 2885439 (VCV002885439.3), dbSNP rs1435117815, ClinGen allele CA407414997.

ClinVar aggregate classification (germline): Uncertain significance (1 of 4 stars; one submission).

Conditions:
Familial cold autoinflammatory syndrome 2 (FCAS2). Identifiers: Orphanet 247868, MedGen C2673198, MONDO:0012724, OMIM 611762.

Submission:

Labcorp Genetics (formerly Invitae), Labcorp
Classification: Uncertain significance for Familial cold autoinflammatory syndrome 2. Last evaluated: 2023-11-25. Review status: criteria provided, single submitter. Criteria: Invitae Variant Classification Sherloc (09022015). Collection method: clinical testing. Allele origin: germline.
Comment: This sequence change replaces leucine, which is neutral and non-polar, with methionine, which is neutral and non-polar, at codon 354 of the NLRP12 protein (p.Leu354Met). This variant is not present in population databases (gnomAD no frequency). This variant has not been reported in the literature in individuals affected with NLRP12-related conditions. Advanced modeling of protein sequence and biophysical properties (such as structural, functional, and spatial information, amino acid conservation, physicochemical variation, residue mobility, and thermodynamic stability) has been performed at Invitae for this missense variant, however the output from this modeling did not meet the statistical confidence thresholds required to predict the impact of this variant on NLRP12 protein function. In summary, the available evidence is currently insufficient to determine the role of this variant in disease. Therefore, it has been classified as a Variant of Uncertain Significance.